The following is an entry in ClinVar:

ClinVar aggregate classification (germline): Uncertain significance (1 of 4 stars; one submission).

Conditions:
Townes syndrome (TBS). Also called: Townes-Brocks syndrome. Identifiers: Orphanet 857, MedGen C0265246, MeSH C536974, MONDO:0007142.

Allele frequency attached by ClinVar (database versions not stated): gnomAD exomes 0.00001; ExAC 0.00004.

Submission:

Labcorp Genetics (formerly Invitae), Labcorp
Classification: Uncertain significance for Townes syndrome. Last evaluated: 2022-08-31. Review status: criteria provided, single submitter. Criteria: Invitae Variant Classification Sherloc (09022015). Collection method: clinical testing. Allele origin: germline.
Comment: In summary, the available evidence is currently insufficient to determine the role of this variant in disease. Therefore, it has been classified as a Variant of Uncertain Significance. This sequence change replaces threonine, which is neutral and polar, with isoleucine, which is neutral and non-polar, at codon 1032 of the SALL1 protein (p.Thr1032Ile). This variant is present in population databases (rs752822198, gnomAD 0.004%). This variant has not been reported in the literature in individuals affected with SALL1-related conditions. Algorithms developed to predict the effect of missense changes on protein structure and function are either unavailable or do not agree on the potential impact of this missense change (SIFT: "Deleterious"; PolyPhen-2: "Probably Damaging"; Align-GVGD: "Class C0").

NM_002968.3(SALL1):c.3095C>T (p.Thr1032Ile)

Gene: SALL1 (spalt like transcription factor 1; minus strand). Cytogenetic location: 16q12.1.
Variant type: single nucleotide variant.
Coding change: c.3095C>T on transcript NM_002968.3 (MANE Select); coding-DNA position 3095, C replaced by T.
Protein change: p.Thr1032Ile; replaces threonine 1032 with isoleucine.
Molecular consequence: missense variant.
Genome position (GRCh38, 1-based): chr16:51,139,127, G>A on the plus strand (C>T on the coding strand, the complement: SALL1 is on the minus strand). VCF-style: chr16-51139127-G-A. GRCh37 (hg19) VCF-style: chr16-51173038-G-A.
Other names: c.2804C>T, p.Thr935Ile (NM_001127892.2); short protein forms T1032I, T935I.
Identifiers: ClinVar variation 2063186 (VCV002063186.4), dbSNP rs752822198, ClinGen allele CA8052987.